The following is an entry in ClinVar:

ClinVar aggregate classification (germline): Uncertain significance (1 of 4 stars; one submission).

gnomAD v4.1: 7 of 1,614,036 alleles (0.00043%); highest among the groups gnomAD compares: East Asian, 0.0022%; no homozygotes.

Submission:

Labcorp Genetics (formerly Invitae), Labcorp
Classification: Uncertain significance. Last evaluated: 2023-04-09. Review status: criteria provided, single submitter. Criteria: Invitae Variant Classification Sherloc (09022015). Collection method: clinical testing. Allele origin: germline.
Comment: This variant has not been reported in the literature in individuals affected with ALPK3-related conditions. In summary, the available evidence is currently insufficient to determine the role of this variant in disease. Therefore, it has been classified as a Variant of Uncertain Significance. Variants that disrupt the consensus splice site are a relatively common cause of aberrant splicing (PMID: 17576681, 9536098). Algorithms developed to predict the effect of sequence changes on RNA splicing suggest that this variant may disrupt the consensus splice site. This variant is not present in population databases (gnomAD no frequency). This sequence change affects a donor splice site in intron 13 of the ALPK3 gene. While this variant is not anticipated to result in nonsense mediated decay, it likely alters RNA splicing and results in a disrupted protein product.

Literature cited by the submitters: PubMed 17576681; PubMed 9536098.

NM_020778.5(ALPK3):c.4772+1G>T

Gene: ALPK3 (alpha kinase 3; plus strand). Cytogenetic location: 15q25.3.
Variant type: single nucleotide variant.
Coding change: c.4772+1G>T on transcript NM_020778.5 (MANE Select); the canonical splice donor site of the intron after coding-DNA position 4772, G replaced by T.
Molecular consequence: splice donor variant.
Genome position (GRCh38, 1-based): chr15:84,867,366, G>T. VCF-style: chr15-84867366-G-T. GRCh37 (hg19) VCF-style: chr15-85410597-G-T.
Identifiers: ClinVar variation 2782485 (VCV002782485.3), dbSNP rs111752806, ClinGen allele CA393365512.